The following is an entry in ClinVar:

NM_016628.5(WAC):c.806C>T (p.Thr269Met)

Gene: WAC (WW domain containing adaptor with coiled-coil; plus strand). Cytogenetic location: 10p12.1.
Variant type: single nucleotide variant.
Coding change: c.806C>T on transcript NM_016628.5 (MANE Select); coding-DNA position 806, C replaced by T.
Protein change: p.Thr269Met; replaces threonine 269 with methionine.
Molecular consequence: missense variant. On other transcripts: intron variant (1).
Genome position (GRCh38, 1-based): chr10:28,595,928, C>T. VCF-style: chr10-28595928-C-T. GRCh37 (hg19) VCF-style: chr10-28884857-C-T.
Other names: c.671C>T, p.Thr224Met (NM_100264.3); c.610+5096C>T (NM_100486.4); short protein forms T224M, T269M.
Identifiers: ClinVar variation 2205264 (VCV002205264.4), dbSNP rs548298771, ClinGen allele CA5454883.

ClinVar aggregate classification (germline): Likely benign. Review status: criteria provided, multiple submitters, no conflicts (2 of 4 stars). 2 submissions from 2 submitters: Likely benign (2). Last evaluated 2026-07-01.

Conditions:
Inborn genetic diseases. Identifiers: MedGen C0950123, MeSH D030342.

Allele frequency attached by ClinVar (database versions not stated): gnomAD exomes 0.00001; ExAC 0.00003; gnomAD 0.00007; TOPMed 0.00013; 1000 Genomes Project 30x 0.00016; 1000 Genomes Project 0.00020.
gnomAD v4.1: 32 of 1,614,160 alleles (0.002%); highest among the groups gnomAD compares: Admixed American, 0.027%; no homozygotes.

Submissions (2):

CeGaT Center for Human Genetics Tuebingen
Classification: Likely benign. Last evaluated: 2026-07-01. Review status: criteria provided, single submitter. Criteria: CeGaT Center For Human Genetics Tuebingen Variant Classification Criteria Version 2. Collection method: clinical testing. Allele origin: germline. Affected: yes. Observed: 1 variant allele.
Comment: WAC: BP4

Ambry Genetics
Classification: Likely benign for Inborn genetic diseases. Last evaluated: 2022-05-18. Review status: criteria provided, single submitter. Criteria: Ambry Variant Classification Scheme 2023. Collection method: clinical testing. Allele origin: germline.